The following is an entry in ClinVar:

NM_001543.5(NDST1):c.633A>G (p.Arg211=)

Gene: NDST1 (N-deacetylase and N-sulfotransferase 1; plus strand). Cytogenetic location: 5q33.1.
Variant type: single nucleotide variant.
Coding change: c.633A>G on transcript NM_001543.5 (MANE Select); coding-DNA position 633, A replaced by G.
Protein change: p.Arg211=; no amino-acid change (arginine 211 retained).
Molecular consequence: synonymous variant.
Genome position (GRCh38, 1-based): chr5:150,527,923, A>G. VCF-style: chr5-150527923-A-G. GRCh37 (hg19) VCF-style: chr5-149907485-A-G.
Other names: c.633A>G, p.Arg211= (NM_001301063.2).
Identifiers: ClinVar variation 3030312 (VCV003030312.2), dbSNP rs1754545706, ClinGen allele CA447409084.

ClinVar aggregate classification (germline): Likely benign (0 of 4 stars; one submission).

Conditions:
NDST1-related disorder. Also called: NDST1-related condition.

Allele frequency attached by ClinVar (database versions not stated): gnomAD exomes 0.00001.
gnomAD v4.1: 5 of 1,614,168 alleles (0.00031%); highest among the groups gnomAD compares: Non-Finnish European, 0.00042%; no homozygotes.

Submission:

PreventionGenetics, part of Exact Sciences
Classification: Likely benign for NDST1-related condition. Last evaluated: 2022-04-20. Review status: no assertion criteria provided. Collection method: clinical testing. Allele origin: germline.
Comment: This variant is classified as likely benign based on ACMG/AMP sequence variant interpretation guidelines (Richards et al. 2015 PMID: 25741868, with internal and published modifications).